The following is an entry in ClinVar:

NM_019066.5(MAGEL2):c.126C>A (p.Val42=)

Gene: MAGEL2 (MAGE family member L2; minus strand). Cytogenetic location: 15q11.2.
Variant type: single nucleotide variant.
Coding change: c.126C>A on transcript NM_019066.5 (MANE Select); coding-DNA position 126, C replaced by A.
Protein change: p.Val42=; no amino-acid change (valine 42 retained).
Molecular consequence: synonymous variant.
Genome position (GRCh38, 1-based): chr15:23,647,617, G>T on the plus strand (C>A on the coding strand, the complement: MAGEL2 is on the minus strand). VCF-style: chr15-23647617-G-T. GRCh37 (hg19) VCF-style: chr15-23892764-G-T.
Identifiers: ClinVar variation 3771566 (VCV003771566.13).

ClinVar aggregate classification (germline): Likely benign (1 of 4 stars; one submission).

gnomAD v4.1: 4 of 1,536,970 alleles (0.00026%); highest among the groups gnomAD compares: Non-Finnish European, 0.00035%; no homozygotes.

Submission:

CeGaT Center for Human Genetics Tuebingen
Classification: Likely benign. Last evaluated: 2025-02-01. Review status: criteria provided, single submitter. Criteria: CeGaT Center For Human Genetics Tuebingen Variant Classification Criteria Version 2. Collection method: clinical testing. Allele origin: germline. Affected: yes. Observed: 1 variant allele.
Comment: MAGEL2: BP4, BP7